The following is an entry in ClinVar:

NM_001134407.3(GRIN2A):c.*6452G>A

Gene: GRIN2A (glutamate ionotropic receptor NMDA type subunit 2A; minus strand). Cytogenetic location: 16p13.2.
Variant type: single nucleotide variant.
Coding change: c.*6452G>A on transcript NM_001134407.3 (MANE Select); 6452 bases downstream of the stop codon, G replaced by A.
Molecular consequence: 3 prime UTR variant.
Genome position (GRCh38, 1-based): chr16:9,756,697, C>T on the plus strand (G>A on the coding strand, the complement: GRIN2A is on the minus strand). VCF-style: chr16-9756697-C-T. GRCh37 (hg19) VCF-style: chr16-9850554-C-T.
Other names: c.*6452G>A (NM_000833.5); c.*6658G>A (NM_001134408.2).
Identifiers: ClinVar variation 321508 (VCV000321508.5), dbSNP rs74011019, ClinGen allele CA10644719.

ClinVar aggregate classification (germline): Benign (1 of 4 stars; one submission).

Conditions:
Landau-Kleffner syndrome (FESD). Also called: EPILEPSY, FOCAL, WITH SPEECH DISORDER AND WITH OR WITHOUT MENTAL RETARDATION; APHASIA, ACQUIRED, WITH EPILEPSY. Identifiers: Orphanet 1945, Orphanet 725, Orphanet 98818, MedGen C0282512, MONDO:0009509, OMIM 245570.

Allele frequency attached by ClinVar (database versions not stated): gnomAD exomes 0.00313; 1000 Genomes Project 0.01697; 1000 Genomes Project 30x 0.01889; gnomAD 0.01728 and 0.01868; TOPMed 0.01974.
gnomAD v4.1: 2,719 of 187,376 alleles (1.5%); highest among the groups gnomAD compares: African/African-American, 5.9%; 60 homozygotes.

Submission:

Illumina Laboratory Services, Illumina
Classification: Benign for Landau-Kleffner syndrome. Last evaluated: 2018-01-13. Review status: criteria provided, single submitter. Criteria: ICSL Variant Classification Criteria 13 December 2019. Collection method: clinical testing. Allele origin: germline.
Comment: This variant was observed in the ICSL laboratory as part of a predisposition screen in an ostensibly healthy population. It had not been previously curated by ICSL or reported in the Human Gene Mutation Database (HGMD: prior to June 1st, 2018), and was therefore a candidate for classification through an automated scoring system. Utilizing variant allele frequency, disease prevalence and penetrance estimates, and inheritance mode, an automated score was calculated to assess if this variant is too frequent to cause the disease. Based on the score and internal cut-off values, a variant classified as benign is not then subjected to further curation. The score for this variant resulted in a classification of benign for this disease.